The following is an entry in ClinVar:

ClinVar aggregate classification (germline): Uncertain significance (1 of 4 stars; one submission).

Conditions:
Neuropathy, hereditary sensory and autonomic, type 2A (HSAN2A). Also called: HSAN IIA; ACROOSTEOLYSIS, GIACCAI TYPE; ACROOSTEOLYSIS, NEUROGENIC; MORVAN DISEASE; NEUROPATHY, CONGENITAL SENSORY; NEUROPATHY, HEREDITARY SENSORY RADICULAR, AUTOSOMAL RECESSIVE. Identifiers: Orphanet 970, MedGen C2752089, MONDO:0024309, OMIM 201300.
Generalized epilepsy with febrile seizures plus, type 7 (GEFSP7). Also called: GEFS+, TYPE 7. Identifiers: Orphanet 36387, MedGen C2751778, MONDO:0013470, OMIM 613863.

gnomAD v4.1: 1 of 1,613,404 alleles (0.000062%); highest among the groups gnomAD compares: East Asian, 0.0022%; no homozygotes.

Submission:

Labcorp Genetics (formerly Invitae), Labcorp
Classification: Uncertain significance for Neuropathy, hereditary sensory and autonomic, type 2A; Generalized epilepsy with febrile seizures plus, type 7. Last evaluated: 2024-05-16. Review status: criteria provided, single submitter. Criteria: Invitae Variant Classification Sherloc (09022015). Collection method: clinical testing. Allele origin: germline.
Comment: This sequence change replaces serine, which is neutral and polar, with arginine, which is basic and polar, at codon 1949 of the SCN9A protein (p.Ser1949Arg). This variant is present in population databases (no rsID available, gnomAD 0.006%). This variant has not been reported in the literature in individuals affected with SCN9A-related conditions. Advanced modeling of protein sequence and biophysical properties (such as structural, functional, and spatial information, amino acid conservation, physicochemical variation, residue mobility, and thermodynamic stability) has been performed at Invitae for this missense variant, however the output from this modeling did not meet the statistical confidence thresholds required to predict the impact of this variant on SCN9A protein function. In summary, the available evidence is currently insufficient to determine the role of this variant in disease. Therefore, it has been classified as a Variant of Uncertain Significance.

NM_001365536.1(SCN9A):c.5880T>G (p.Ser1960Arg)

Genes: SCN1A-AS1 (SCN1A and SCN9A antisense RNA 1; plus strand), SCN9A (sodium voltage-gated channel alpha subunit 9; minus strand). Cytogenetic location: 2q24.3.
Variant type: single nucleotide variant.
Coding change: c.5880T>G on transcript NM_001365536.1 (MANE Select); coding-DNA position 5880, T replaced by G.
Protein change: p.Ser1960Arg; replaces serine 1960 with arginine.
Molecular consequence: missense variant.
Genome position (GRCh38, 1-based): chr2:166,198,759, A>C on the plus strand (T>G on the coding strand, the complement: SCN9A is on the minus strand). VCF-style: chr2-166198759-A-C. GRCh37 (hg19) VCF-style: chr2-167055269-A-C.
Other names: c.5847T>G, p.Ser1949Arg (NM_002977.4); short protein forms S1949R, S1960R.
Identifiers: ClinVar variation 3762826 (VCV003762826.2).